The following is an entry in ClinVar:

NM_139057.4(ADAMTS17):c.1307T>G (p.Leu436Arg)

Gene: ADAMTS17 (ADAM metallopeptidase with thrombospondin type 1 motif 17; minus strand). Cytogenetic location: 15q26.3.
Variant type: single nucleotide variant.
Coding change: c.1307T>G on transcript NM_139057.4 (MANE Select); coding-DNA position 1307, T replaced by G.
Protein change: p.Leu436Arg; replaces leucine 436 with arginine.
Molecular consequence: missense variant.
Genome position (GRCh38, 1-based): chr15:100,155,195, A>C on the plus strand (T>G on the coding strand, the complement: ADAMTS17 is on the minus strand). VCF-style: chr15-100155195-A-C. GRCh37 (hg19) VCF-style: chr15-100695400-A-C.
Other names: c.1307T>G (NM_139057.2); short protein forms L436R.
Identifiers: ClinVar variation 2086851 (VCV002086851.5), dbSNP rs2548477358, ClinGen allele CA393934403.

ClinVar aggregate classification (germline): Uncertain significance. Review status: criteria provided, multiple submitters, no conflicts (2 of 4 stars). 2 submissions from 2 submitters: Uncertain significance (2). Last evaluated 2025-05-25.

Conditions:
Inborn genetic diseases. Identifiers: MedGen C0950123, MeSH D030342.

Submissions (2):

Ambry Genetics
Classification: Uncertain significance for Inborn genetic diseases. Last evaluated: 2025-05-25. Review status: criteria provided, single submitter. Criteria: Ambry Variant Classification Scheme 2023. Collection method: clinical testing. Allele origin: germline.

Labcorp Genetics (formerly Invitae), Labcorp
Classification: Uncertain significance. Last evaluated: 2022-01-17. Review status: criteria provided, single submitter. Criteria: Invitae Variant Classification Sherloc (09022015). Collection method: clinical testing. Allele origin: germline.
Comment: In summary, the available evidence is currently insufficient to determine the role of this variant in disease. Therefore, it has been classified as a Variant of Uncertain Significance. Algorithms developed to predict the effect of missense changes on protein structure and function are either unavailable or do not agree on the potential impact of this missense change (SIFT: "Not Available"; PolyPhen-2: "Probably Damaging"; Align-GVGD: "Not Available"). This variant has not been reported in the literature in individuals affected with ADAMTS17-related conditions. This variant is not present in population databases (gnomAD no frequency). This sequence change replaces leucine, which is neutral and non-polar, with arginine, which is basic and polar, at codon 436 of the ADAMTS17 protein (p.Leu436Arg).